The following is an entry in ClinVar:

ClinVar aggregate classification (germline): Benign/Likely benign. Review status: criteria provided, multiple submitters, no conflicts (2 of 4 stars). 6 submissions from 6 submitters: Benign (4); Likely benign (2). Last evaluated 2026-01-25.

Allele frequency attached by ClinVar (database versions not stated): gnomAD exomes 0.00070 and 0.00174; ExAC 0.00233; 1000 Genomes Project 0.00719; gnomAD 0.00727 and 0.00800; 1000 Genomes Project 30x 0.00812; TOPMed 0.00822; ESP Exome Variant Server 0.00869.
gnomAD v4.1: 2,201 of 1,612,880 alleles (0.14%); highest among the groups gnomAD compares: African/African-American, 2.6%; 25 homozygotes.

Submissions (6):

Labcorp Genetics (formerly Invitae), Labcorp
Classification: Benign. Last evaluated: 2026-01-25. Review status: criteria provided, single submitter. Criteria: Invitae Variant Classification Sherloc (09022015). Collection method: clinical testing. Allele origin: germline.

Athena Diagnostics
Classification: Benign. Last evaluated: 2019-03-04. Review status: criteria provided, single submitter. Criteria: Athena Diagnostics Criteria. Collection method: clinical testing. Allele origin: germline.

Center for Pediatric Genomic Medicine, Children's Mercy Hospital and Clinics
Classification: Likely benign. Last evaluated: 2017-05-04. Review status: criteria provided, single submitter. Criteria: ACMG Guidelines, 2015. Collection method: clinical testing. Allele origin: germline.

GeneDx
Classification: Benign. Last evaluated: 2016-06-17. Review status: criteria provided, single submitter. Criteria: GeneDx Variant Classification (06012015). Collection method: clinical testing. Allele origin: germline. Affected: yes.
Comment: This variant is considered likely benign or benign based on one or more of the following criteria: it is a conservative change, it occurs at a poorly conserved position in the protein, it is predicted to be benign by multiple in silico algorithms, and/or has population frequency not consistent with disease.

Laboratory for Molecular Medicine, Mass General Brigham Personalized Medicine
Classification: Benign. Last evaluated: 2012-05-07. Review status: criteria provided, single submitter. Criteria: LMM Criteria. Collection method: clinical testing. Allele origin: germline. Observed: 9 variant alleles.
Comment: Ser607Phe in Exon 15 of GPSM2: This variant is not expected to have clinical sig nificance because it has been identified in 2.5% (92/3738) of African American c hromosomes from a broad population by the NHLBI Exome Sequencing Project (dbSNP rs35322815).

Breakthrough Genomics
Classification: Likely benign. Review status: criteria provided, single submitter. Criteria: ACMG Guidelines, 2015. Collection method: not provided. Allele origin: germline. Inheritance: Autosomal recessive inheritance. Affected: yes.

NM_013296.5(GPSM2):c.1820C>T (p.Ser607Phe)

Genes: CLCC1 (chloride channel CLIC like 1; minus strand), GPSM2 (G protein signaling modulator 2; plus strand). Cytogenetic location: 1p13.3.
Variant type: single nucleotide variant.
Coding change: c.1820C>T on transcript NM_013296.5 (MANE Select); coding-DNA position 1820, C replaced by T.
Protein change: p.Ser607Phe; replaces serine 607 with phenylalanine.
Molecular consequence: missense variant. On other transcripts: 3 prime UTR variant (17), non-coding transcript variant (1).
Genome position (GRCh38, 1-based): chr1:108,929,705, C>T. VCF-style: chr1-108929705-C-T. GRCh37 (hg19) VCF-style: chr1-109472327-C-T.
Other names: c.*2842G>A (NM_001048210.3, NM_001278202.2, NM_001278203.1 and 10 more transcripts); c.*2847G>A (NM_001377459.1, NM_001377460.1, NM_001377462.1 and 1 more transcripts); c.1820C>T, p.Ser607Phe (NM_001321038.2, NM_001321039.3); short protein forms S607F.
Identifiers: ClinVar variation 163642 (VCV000163642.17), dbSNP rs35322815, ClinGen allele CA176259.